The following is an entry in ClinVar:

NM_000553.6(WRN):c.2104C>T (p.Leu702Phe)

Gene: WRN (WRN RecQ like helicase; plus strand). Cytogenetic location: 8p12.
Variant type: single nucleotide variant.
Coding change: c.2104C>T on transcript NM_000553.6 (MANE Select); coding-DNA position 2104, C replaced by T.
Protein change: p.Leu702Phe; replaces leucine 702 with phenylalanine.
Molecular consequence: missense variant.
Genome position (GRCh38, 1-based): chr8:31,111,630, C>T. VCF-style: chr8-31111630-C-T. GRCh37 (hg19) VCF-style: chr8-30969146-C-T.
Other names: short protein forms L702F.
Identifiers: ClinVar variation 566742 (VCV000566742.3), dbSNP rs748745844, ClinGen allele CA4704643.

ClinVar aggregate classification (germline): Uncertain significance (1 of 4 stars; one submission).

Conditions:
Werner syndrome (WRN). Identifiers: Orphanet 902, MedGen C0043119, MONDO:0010196, OMIM 277700.

Allele frequency attached by ClinVar (database versions not stated): gnomAD exomes below 0.00001; ExAC 0.00001.
gnomAD v4.1: 3 of 1,614,006 alleles (0.00019%); highest among the groups gnomAD compares: South Asian, 0.0011%; no homozygotes.

Submission:

Labcorp Genetics (formerly Invitae), Labcorp
Classification: Uncertain significance for Werner syndrome. Last evaluated: 2022-08-16. Review status: criteria provided, single submitter. Criteria: Invitae Variant Classification Sherloc (09022015). Collection method: clinical testing. Allele origin: germline.
Comment: This sequence change replaces leucine, which is neutral and non-polar, with phenylalanine, which is neutral and non-polar, at codon 702 of the WRN protein (p.Leu702Phe). This variant is present in population databases (rs748745844, gnomAD 0.003%). This variant has not been reported in the literature in individuals affected with WRN-related conditions. ClinVar contains an entry for this variant (Variation ID: 566742). Algorithms developed to predict the effect of missense changes on protein structure and function are either unavailable or do not agree on the potential impact of this missense change (SIFT: "Not Available"; PolyPhen-2: "Probably Damaging"; Align-GVGD: "Not Available"). In summary, the available evidence is currently insufficient to determine the role of this variant in disease. Therefore, it has been classified as a Variant of Uncertain Significance.